The following is an entry in ClinVar:

NM_000474.4(TWIST1):c.325C>A (p.Gln109Lys)

Gene: TWIST1 (twist family bHLH transcription factor 1; minus strand). Cytogenetic location: 7p21.1.
Variant type: single nucleotide variant.
Coding change: c.325C>A on transcript NM_000474.4 (MANE Select); coding-DNA position 325, C replaced by A.
Protein change: p.Gln109Lys; replaces glutamine 109 with lysine.
Molecular consequence: missense variant. On other transcripts: non-coding transcript variant (1).
Genome position (GRCh38, 1-based): chr7:19,116,997, G>T on the plus strand (C>A on the coding strand, the complement: TWIST1 is on the minus strand). VCF-style: chr7-19116997-G-T. GRCh37 (hg19) VCF-style: chr7-19156620-G-T.
Other names: short protein forms Q109K.
Identifiers: ClinVar variation 5007197 (VCV005007197.2).

ClinVar aggregate classification (germline): Uncertain significance (1 of 4 stars; one submission).

Conditions:
Saethre-Chotzen syndrome (SCS). Also called: ACROCEPHALY, SKULL ASYMMETRY, AND MILD SYNDACTYLY; ACS III; CHOTZEN SYNDROME. Identifiers: Orphanet 794, MedGen C0175699, MONDO:0007042, OMIM 101400.
Robinow-Sorauf syndrome. Also called: ACROCEPHALOSYNDACTYLY, ROBINOW-SORAUF TYPE; CRANIOSYNOSTOSIS-BIFID HALLUX SYNDROME. Identifiers: MedGen C1867146, MONDO:0008391, OMIM 180750.
TWIST1-related craniosynostosis (CRS1). Also called: CRANIOSYNOSTOSIS 1. Identifiers: Orphanet 63440, MedGen C4551902, MONDO:0007399, OMIM 123100. Inheritance: Heterogenous inheritance pattern.
Sweeney-Cox syndrome. Identifiers: MedGen C4540299, MONDO:0060592, OMIM 617746.

Submission:

Juno Genomics, Hangzhou Juno Genomics, Inc
Classification: Uncertain significance for Sweeney-Cox syndrome; TWIST1-related craniosynostosis; Robinow-Sorauf syndrome; Saethre-Chotzen syndrome. Review status: criteria provided, single submitter. Criteria: ACMG Guidelines, 2015. Collection method: clinical testing. Allele origin: germline.
Comment: Absent from controls (or at extremely low frequency if recessive) in Genome Aggregation Database.;Multiple lines of computational evidence support a deleterious effect on the gene or gene product.